The following is an entry in ClinVar:

ClinVar aggregate classification (germline): Uncertain significance (1 of 4 stars; one submission).

gnomAD v4.1: 1 of 1,614,116 alleles (0.000062%); highest among the groups gnomAD compares: Non-Finnish European, 0.000085%; no homozygotes.

Submission:

Labcorp Genetics (formerly Invitae), Labcorp
Classification: Uncertain significance. Last evaluated: 2024-12-02. Review status: criteria provided, single submitter. Criteria: Invitae Variant Classification Sherloc (09022015). Collection method: clinical testing. Allele origin: germline.
Comment: This sequence change replaces threonine, which is neutral and polar, with isoleucine, which is neutral and non-polar, at codon 203 of the TOPORS protein (p.Thr203Ile). This variant is not present in population databases (gnomAD no frequency). This variant has not been reported in the literature in individuals affected with TOPORS-related conditions. ClinVar contains an entry for this variant (Variation ID: 1495924). An algorithm developed to predict the effect of missense changes on protein structure and function (PolyPhen-2) suggests that this variant is likely to be disruptive. In summary, the available evidence is currently insufficient to determine the role of this variant in disease. Therefore, it has been classified as a Variant of Uncertain Significance.

NM_005802.5(TOPORS):c.608C>T (p.Thr203Ile)

Gene: TOPORS (TOP1 binding arginine/serine rich protein, E3 ubiquitin ligase; minus strand). Cytogenetic location: 9p21.1.
Variant type: single nucleotide variant.
Coding change: c.608C>T on transcript NM_005802.5 (MANE Select); coding-DNA position 608, C replaced by T.
Protein change: p.Thr203Ile; replaces threonine 203 with isoleucine.
Molecular consequence: missense variant.
Genome position (GRCh38, 1-based): chr9:32,543,917, G>A on the plus strand (C>T on the coding strand, the complement: TOPORS is on the minus strand). VCF-style: chr9-32543917-G-A. GRCh37 (hg19) VCF-style: chr9-32543915-G-A.
Other names: c.413C>T, p.Thr138Ile (NM_001195622.2); short protein forms T203I, T138I.
Identifiers: ClinVar variation 1495924 (VCV001495924.6), dbSNP rs2118969266, ClinGen allele CA373172269.